The following is an entry in ClinVar:

ClinVar aggregate classification (germline): Uncertain significance (1 of 4 stars; one submission).

Submission:

GeneDx
Classification: Uncertain significance. Last evaluated: 2025-03-12. Review status: criteria provided, single submitter. Criteria: GeneDx Variant Classification Process June 2021. Collection method: clinical testing. Allele origin: germline. Affected: yes.
Comment: Not observed at significant frequency in large population cohorts (gnomAD); In silico analysis supports that this missense variant has a deleterious effect on protein structure/function; Has not been previously published as pathogenic or benign to our knowledge

NM_017588.3(WDR5):c.443C>G (p.Ser148Cys)

Gene: WDR5 (WD repeat domain 5; plus strand). Cytogenetic location: 9q34.2.
Variant type: single nucleotide variant.
Coding change: c.443C>G on transcript NM_017588.3 (MANE Select); coding-DNA position 443, C replaced by G.
Protein change: p.Ser148Cys; replaces serine 148 with cysteine.
Molecular consequence: missense variant.
Genome position (GRCh38, 1-based): chr9:134,142,421, C>G. VCF-style: chr9-134142421-C-G. GRCh37 (hg19) VCF-style: chr9-137007543-C-G.
Other names: c.443C>G, p.Ser148Cys (NM_001384409.1, NM_001384410.1, NM_001384411.1 and 6 more transcripts); c.434C>G, p.Ser145Cys (NM_001384417.1); c.314C>G, p.Ser105Cys (NM_001384418.1, NM_001384419.1); short protein forms S105C, S145C, S148C.
Identifiers: ClinVar variation 4082946 (VCV004082946.1).